The following is an entry in ClinVar:

NM_001161403.3(LIMS2):c.145C>A (p.Pro49Thr)

Gene: LIMS2 (LIM zinc finger domain containing 2; minus strand). Cytogenetic location: 2q14.3.
Variant type: single nucleotide variant.
Coding change: c.145C>A on transcript NM_001161403.3 (MANE Select); coding-DNA position 145, C replaced by A.
Protein change: p.Pro49Thr; replaces proline 49 with threonine.
Molecular consequence: missense variant.
Genome position (GRCh38, 1-based): chr2:127,657,429, G>T on the plus strand (C>A on the coding strand, the complement: LIMS2 is on the minus strand). VCF-style: chr2-127657429-G-T. GRCh37 (hg19) VCF-style: chr2-128415003-G-T.
Other names: c.211C>A, p.Pro71Thr (NM_001136037.4); c.130C>A, p.Pro44Thr (NM_001161404.2); c.217C>A, p.Pro73Thr (NM_017980.5); c.211C>A (NM_001136037.3); c.217C>A (NM_017980.4); short protein forms P44T, P49T, P71T, P73T.
Identifiers: ClinVar variation 1061830 (VCV001061830.10), dbSNP rs202166665, ClinGen allele CA1863557.

ClinVar aggregate classification (germline): Uncertain significance. Review status: criteria provided, multiple submitters, no conflicts (2 of 4 stars). 4 submissions from 4 submitters: Uncertain significance (4). Last evaluated 2025-05-15.

Conditions:
Autosomal recessive limb-girdle muscular dystrophy type 2W (MDRCMTT). Also called: Muscular dystrophy, limb-girdle, type 2W; Muscular dystrophy, autosomal recessive, with cardiomyopathy and triangular tongue. Identifiers: MedGen C4225192, MONDO:0014788, OMIM 616827.

Allele frequency attached by ClinVar (database versions not stated): gnomAD 0.00006; gnomAD exomes 0.00007 and 0.00006; ESP Exome Variant Server 0.00008; ExAC 0.00010.

Submissions (4):

Labcorp Genetics (formerly Invitae), Labcorp
Classification: Uncertain significance for Autosomal recessive limb-girdle muscular dystrophy type 2W. Last evaluated: 2025-05-15. Review status: criteria provided, single submitter. Criteria: Invitae Variant Classification Sherloc (09022015). Collection method: clinical testing. Allele origin: germline.
Comment: This sequence change replaces proline, which is neutral and non-polar, with threonine, which is neutral and polar, at codon 71 of the LIMS2 protein (p.Pro71Thr). This variant is present in population databases (rs202166665, gnomAD 0.01%). This variant has not been reported in the literature in individuals affected with LIMS2-related conditions. ClinVar contains an entry for this variant (Variation ID: 1061830). An algorithm developed to predict the effect of missense changes on protein structure and function (PolyPhen-2) suggests that this variant is likely to be tolerated. In summary, the available evidence is currently insufficient to determine the role of this variant in disease. Therefore, it has been classified as a Variant of Uncertain Significance.

Kariminejad - Najmabadi Pathology & Genetics Center
Classification: Uncertain significance for Autosomal recessive limb-girdle muscular dystrophy type 2W. Last evaluated: 2022-11-26. Review status: criteria provided, single submitter. Criteria: ACMG Guidelines, 2015. Collection method: clinical testing. Allele origin: germline. Inheritance: Autosomal recessive inheritance. Affected: yes.
Comment: PM2

Ambry Genetics
Classification: Uncertain significance. Last evaluated: 2021-07-09. Review status: criteria provided, single submitter. Criteria: Ambry Variant Classification Scheme 2023. Collection method: clinical testing. Allele origin: germline.

Revvity Omics, Revvity
Classification: Uncertain significance for Autosomal recessive limb-girdle muscular dystrophy type 2W. Last evaluated: 2021-06-27. Review status: criteria provided, single submitter. Criteria: ACMG Guidelines, 2015. Collection method: clinical testing. Allele origin: germline.